The following is an entry in ClinVar:

NM_002641.4(PIGA):c.955G>A (p.Val319Met)

Gene: PIGA (phosphatidylinositol glycan anchor biosynthesis class A; minus strand). Cytogenetic location: Xp22.2.
Variant type: single nucleotide variant.
Coding change: c.955G>A on transcript NM_002641.4 (MANE Select); coding-DNA position 955, G replaced by A.
Protein change: p.Val319Met; replaces valine 319 with methionine.
Molecular consequence: missense variant. On other transcripts: non-coding transcript variant (2).
Genome position (GRCh38, 1-based): chrX:15,325,046, C>T on the plus strand (G>A on the coding strand, the complement: PIGA is on the minus strand). VCF-style: chrX-15325046-C-T. GRCh37 (hg19) VCF-style: chrX-15343168-C-T.
Other names: c.253G>A, p.Val85Met (NM_020473.3); short protein forms V319M, V85M.
Identifiers: ClinVar variation 589479 (VCV000589479.6), dbSNP rs765961204, ClinGen allele CA10354098.
Genomic context (GRCh38, chrX:15,325,046, plus strand): 5'-AATCCCAACCATGAATGCCCTCAAAGCTTTTTACCTGTAAACCACAACTGGCTGCTTCCA[C>T]GATCGCCATGCAGAATGCTTCAGTAAGGGAGGTATTCAGAAAAATATGTCCTTGAACTAA-3'
Protein context (NP_002632.1, residues 309-329): SLTEAFCMAI[Val319Met]EAASCGLQVV

ClinVar aggregate classification (germline): Uncertain significance. Review status: criteria provided, multiple submitters, no conflicts (2 of 4 stars). 2 submissions from 2 submitters: Uncertain significance (2). Last evaluated 2019-05-28.

Conditions:
Inborn genetic diseases. Identifiers: MedGen C0950123, MeSH D030342.
Multiple congenital anomalies-hypotonia-seizures syndrome 2 (MCAHS2). Also called: GLYCOSYLPHOSPHATIDYLINOSITOL BIOSYNTHESIS DEFECT 4; EPILEPTIC ENCEPHALOPATHY, EARLY INFANTILE, 20. Identifiers: Orphanet 300496, MedGen C3275508, MONDO:0010466, OMIM 300868.

Allele frequency attached by ClinVar (database versions not stated): TOPMed 0.00001.

Submissions (2):

Mendelics
Classification: Uncertain significance for Multiple congenital anomalies-hypotonia-seizures syndrome 2. Last evaluated: 2019-05-28. Review status: criteria provided, single submitter. Criteria: Mendelics Assertion Criteria 2017. Collection method: clinical testing. Allele origin: unknown.

Ambry Genetics
Classification: Uncertain significance for Inborn genetic diseases. Last evaluated: 2018-08-08. Review status: criteria provided, single submitter. Criteria: Ambry Variant Classification Scheme 2023. Collection method: clinical testing. Allele origin: germline.
Comment: The p.V319M variant (also known as c.955G>A), located in coding exon 3 of the PIGA gene, results from a G to A substitution at nucleotide position 955. The valine at codon 319 is replaced by methionine, an amino acid with highly similar properties. This amino acid position is highly conserved in available vertebrate species. In addition, the in silico prediction for this alteration is inconclusive. Since supporting evidence is limited at this time, the clinical significance of this alteration remains unclear.